The following is an entry in ClinVar:

NM_152281.3(GORAB):c.71A>T (p.Glu24Val)

Gene: GORAB (golgin, RAB6 interacting; plus strand). Cytogenetic location: 1q24.2.
Variant type: single nucleotide variant.
Coding change: c.71A>T on transcript NM_152281.3 (MANE Select); coding-DNA position 71, A replaced by T.
Protein change: p.Glu24Val; replaces glutamic acid 24 with valine.
Molecular consequence: missense variant. On other transcripts: 5 prime UTR variant (1), non-coding transcript variant (1).
Genome position (GRCh38, 1-based): chr1:170,539,219, A>T. VCF-style: chr1-170539219-A-T. GRCh37 (hg19) VCF-style: chr1-170508360-A-T.
Other names: c.71A>T, p.Glu24Val (NM_001146039.2); c.-395A>T (NM_001320252.2); short protein forms E24V.
Identifiers: ClinVar variation 1524817 (VCV001524817.3), dbSNP rs1383431196, ClinGen allele CA343161794.
Genomic context (GRCh38, chr1:170,539,219, plus strand): 5'-AATTATTTGCTGCCCACACAAAGGAATTTTCCTCTATTTTCTTTTACATAGATCCATTTG[A>T]ACCACAGCGACGTCTCCCCGCGAAGAAAAGTCGACAACAACTTCAGCGAGAAAAAGCCCT-3'
Protein context (NP_689494.3, residues 14-34): RRLKQTKDPF[Glu24Val]PQRRLPAKKS

ClinVar aggregate classification (germline): Uncertain significance (1 of 4 stars; one submission).

Allele frequency attached by ClinVar (database versions not stated): gnomAD 0.00001; gnomAD exomes 0.00002; TOPMed 0.00002.
gnomAD v4.1: 8 of 1,614,140 alleles (0.0005%); highest among the groups gnomAD compares: East Asian, 0.018%; no homozygotes.

Submission:

Labcorp Genetics (formerly Invitae), Labcorp
Classification: Uncertain significance. Last evaluated: 2022-09-07. Review status: criteria provided, single submitter. Criteria: Invitae Variant Classification Sherloc (09022015). Collection method: clinical testing. Allele origin: germline.
Comment: This sequence change replaces glutamic acid, which is acidic and polar, with valine, which is neutral and non-polar, at codon 49 of the GORAB protein (p.Glu49Val). This variant is present in population databases (no rsID available, gnomAD 0.03%). This variant has not been reported in the literature in individuals affected with GORAB-related conditions. ClinVar contains an entry for this variant (Variation ID: 1524817). Algorithms developed to predict the effect of missense changes on protein structure and function are either unavailable or do not agree on the potential impact of this missense change (SIFT: "Deleterious"; PolyPhen-2: "Possibly Damaging"; Align-GVGD: "Class C0"). In summary, the available evidence is currently insufficient to determine the role of this variant in disease. Therefore, it has been classified as a Variant of Uncertain Significance.